The following is an entry in ClinVar:

ClinVar aggregate classification (germline): Benign/Likely benign. Review status: criteria provided, multiple submitters, no conflicts (2 of 4 stars). 3 submissions from 3 submitters: Benign (1); Likely benign (2). Last evaluated 2020-05-03.

Conditions:
Primary hyperoxaluria, type II (HP2). Also called: D-GLYCERATE DEHYDROGENASE DEFICIENCY; GLYCERIC ACIDURIA; GLYOXYLATE REDUCTASE/HYDROXYPYRUVATE REDUCTASE DEFICIENCY; OXALOSIS II; Primary hyperoxaluria type 2. Identifiers: Orphanet 416, Orphanet 93599, MedGen C0268165, MONDO:0009824, OMIM 260000. Disease mechanism: loss of function.

Allele frequency attached by ClinVar (database versions not stated): gnomAD 0.03576 and 0.03734; TOPMed 0.03872; gnomAD exomes 0.04113; 1000 Genomes Project 30x 0.04919; 1000 Genomes Project 0.04932.
gnomAD v4.1: 35,818 of 879,938 alleles (4.1%); highest among the groups gnomAD compares: Middle Eastern, 7.5%; 886 homozygotes.

Submissions (3):

GeneDx
Classification: Likely benign. Last evaluated: 2020-05-03. Review status: criteria provided, single submitter. Criteria: GeneDx Variant Classification Process June 2021. Collection method: clinical testing. Allele origin: germline. Affected: yes.

Illumina Laboratory Services, Illumina
Classification: Benign for Primary hyperoxaluria, type II. Last evaluated: 2018-01-13. Review status: criteria provided, single submitter. Criteria: ICSL Variant Classification Criteria 13 December 2019. Collection method: clinical testing. Allele origin: germline.
Comment: This variant was observed in the ICSL laboratory as part of a predisposition screen in an ostensibly healthy population. It had not been previously curated by ICSL or reported in the Human Gene Mutation Database (HGMD: prior to June 1st, 2018), and was therefore a candidate for classification through an automated scoring system. Utilizing variant allele frequency, disease prevalence and penetrance estimates, and inheritance mode, an automated score was calculated to assess if this variant is too frequent to cause the disease. Based on the score and internal cut-off values, a variant classified as benign is not then subjected to further curation. The score for this variant resulted in a classification of benign for this disease.

Breakthrough Genomics
Classification: Likely benign. Review status: criteria provided, single submitter. Criteria: ACMG Guidelines, 2015. Collection method: not provided. Allele origin: germline. Inheritance: Autosomal recessive inheritance. Affected: yes.

NM_012203.2(GRHPR):c.*146A>G

Gene: GRHPR (glyoxylate and hydroxypyruvate reductase; plus strand). Cytogenetic location: 9p13.2.
Variant type: single nucleotide variant.
Coding change: c.*146A>G on transcript NM_012203.2 (MANE Select); 146 bases downstream of the stop codon, A replaced by G.
Molecular consequence: 3 prime UTR variant.
Genome position (GRCh38, 1-based): chr9:37,436,928, A>G. VCF-style: chr9-37436928-A-G. GRCh37 (hg19) VCF-style: chr9-37436925-A-G.
Identifiers: ClinVar variation 366863 (VCV000366863.8), dbSNP rs1057507, ClinGen allele CA10634040.
Genomic context (GRCh38, chr9:37,436,928, plus strand): 5'-GAGCCAAGGGAAGGTGTGATTCTCTGAGGAAAGAGTGATTCTGATATATGTACTTGTCAC[A>G]TTGGTGTTGGACACATTTGCGCCAAAAGTATGGTAATTCTATTATTAAATAATTCTCTGA-3'